The following is an entry in ClinVar:

ClinVar aggregate classification (germline): Uncertain significance (1 of 4 stars; one submission).

Submission:

Labcorp Genetics (formerly Invitae), Labcorp
Classification: Uncertain significance. Last evaluated: 2022-02-19. Review status: criteria provided, single submitter. Criteria: Invitae Variant Classification Sherloc (09022015). Collection method: clinical testing. Allele origin: germline.
Comment: In summary, the available evidence is currently insufficient to determine the role of this variant in disease. Therefore, it has been classified as a Variant of Uncertain Significance. Algorithms developed to predict the effect of missense changes on protein structure and function output the following: SIFT: "Not Available"; PolyPhen-2: "Benign"; Align-GVGD: "Not Available". The serine amino acid residue is found in multiple mammalian species, which suggests that this missense change does not adversely affect protein function. This variant has not been reported in the literature in individuals affected with RIPK1-related conditions. This variant is not present in population databases (gnomAD no frequency). This sequence change replaces threonine, which is neutral and polar, with serine, which is neutral and polar, at codon 182 of the RIPK1 protein (p.Thr182Ser).

NM_001354930.2(RIPK1):c.544A>T (p.Thr182Ser)

Gene: RIPK1 (receptor interacting serine/threonine kinase 1; plus strand). Cytogenetic location: 6p25.2.
Variant type: single nucleotide variant.
Coding change: c.544A>T on transcript NM_001354930.2 (MANE Select); coding-DNA position 544, A replaced by T.
Protein change: p.Thr182Ser; replaces threonine 182 with serine.
Molecular consequence: missense variant.
Genome position (GRCh38, 1-based): chr6:3,083,169, A>T. VCF-style: chr6-3083169-A-T. GRCh37 (hg19) VCF-style: chr6-3083403-A-T.
Other names: c.55A>T, p.Thr19Ser (NM_001317061.3, NM_001354932.2, NM_001354933.2 and 1 more transcripts); c.406A>T, p.Thr136Ser (NM_001354931.2); c.544A>T, p.Thr182Ser (NM_003804.6); short protein forms T136S, T182S, T19S.
Identifiers: ClinVar variation 2099105 (VCV002099105.4), dbSNP rs1213916915, ClinGen allele CA362579127.
Genomic context (GRCh38, chr6:3,083,169, plus strand): 5'-TTTAAGATGTGGAGCAAACTGAATAATGAAGAGCACAATGAGCTGAGGGAAGTGGACGGC[A>T]CCGCTAAGAAGAATGGCGGCACCCTCTACTACATGGCGCCCGAGCACCTGAATGACGTCA-3'
Protein context (NP_001341859.1, residues 172-192): EHNELREVDG[Thr182Ser]AKKNGGTLYY